The following is an entry in ClinVar:

NC_000016.9:g.(?_89855566)_(89858898_?)del

Gene: FANCA (FA complementation group A; minus strand). Cytogenetic location: 16q24.3.
Variant type: Deletion.
Identifiers: ClinVar variation 3243293 (VCV003243293.1).

ClinVar aggregate classification (germline): Pathogenic (1 of 4 stars; one submission).

Conditions:
Fanconi anemia (FA). Also called: Fanconi's anemia. Identifiers: Orphanet 84, MedGen C0015625, MeSH D005199, MONDO:0019391.

Submission:

Labcorp Genetics (formerly Invitae), Labcorp
Classification: Pathogenic for Fanconi anemia. Last evaluated: 2023-04-24. Review status: criteria provided, single submitter. Criteria: Invitae Variant Classification Sherloc (09022015). Collection method: clinical testing. Allele origin: unknown.
Comment: This variant disrupts a region of the FANCA protein in which other variant(s) (p.Gln436Arg) have been determined to be pathogenic (PMID: 29098742, 34906502). This suggests that this is a clinically significant region of the protein, and that variants that disrupt it are likely to be disease-causing. This variant has not been reported in the literature in individuals affected with FANCA-related conditions. This variant results in the deletion of exons 13-14 and part of exon 12 (c.1064_1359+2245del) of the FANCA gene. It is expected to disrupt RNA splicing. Variants that disrupt the donor or acceptor splice site typically lead to a loss of protein function (PMID: 16199547), and loss-of-function variants in FANCA are known to be pathogenic (PMID: 19367192). For these reasons, this variant has been classified as Pathogenic.

Literature cited by the submitters: PubMed 29098742; PubMed 34906502; PubMed 16199547; PubMed 19367192.